The following is an entry in ClinVar:

ClinVar aggregate classification (germline): Uncertain significance (1 of 4 stars; one submission).

gnomAD v4.1: 4 of 1,611,314 alleles (0.00025%); highest among the groups gnomAD compares: East Asian, 0.0022%; no homozygotes.

Submission:

Labcorp Genetics (formerly Invitae), Labcorp
Classification: Uncertain significance. Last evaluated: 2026-01-28. Review status: criteria provided, single submitter. Criteria: Invitae Variant Classification Sherloc (09022015). Collection method: clinical testing. Allele origin: germline.
Comment: This sequence change replaces threonine, which is neutral and polar, with alanine, which is neutral and non-polar, at codon 270 of the KCNN4 protein (p.Thr270Ala). This variant is present in population databases (no rsID available, gnomAD 0.0009%). This variant has not been reported in the literature in individuals affected with KCNN4-related conditions. Invitae Evidence Modeling of protein sequence and biophysical properties (such as structural, functional, and spatial information, amino acid conservation, physicochemical variation, residue mobility, and thermodynamic stability) indicates that this missense variant is not expected to disrupt KCNN4 protein function with a negative predictive value of 80%. In summary, the available evidence is currently insufficient to determine the role of this variant in disease. Therefore, it has been classified as a Variant of Uncertain Significance.

NM_002250.3(KCNN4):c.808A>G (p.Thr270Ala)

Gene: KCNN4 (potassium calcium-activated channel subfamily N member 4; minus strand). Cytogenetic location: 19q13.31.
Variant type: single nucleotide variant.
Coding change: c.808A>G on transcript NM_002250.3 (MANE Select); coding-DNA position 808, A replaced by G.
Protein change: p.Thr270Ala; replaces threonine 270 with alanine.
Molecular consequence: missense variant.
Genome position (GRCh38, 1-based): chr19:43,772,011, T>C on the plus strand (A>G on the coding strand, the complement: KCNN4 is on the minus strand). VCF-style: chr19-43772011-T-C. GRCh37 (hg19) VCF-style: chr19-44276163-T-C.
Other names: short protein forms T270A.
Identifiers: ClinVar variation 4780390 (VCV004780390.1).
Genomic context (GRCh38, chr19:43,772,011, plus strand): 5'-GATGACCAGTTTGGGATAGGGATCATGTCCCCAAGGCAGCTGTACTCACCATGACTCCAG[T>C]GCACAGGCAGACGATCTTGCCCCACATGGTGCCCGGCACCACGTCACCATAGCCGATGGT-3'
Protein context (NP_002241.1, residues 260-280): TMWGKIVCLC[Thr270Ala]GVMGVCCTAL